The following is an entry in ClinVar:

NM_000492.4(CFTR):c.2956del (p.Leu986fs)

Genes: CFTR (CF transmembrane conductance regulator; plus strand), CFTR-AS2 (CFTR antisense RNA 2; minus strand). Cytogenetic location: 7q31.2.
Variant type: Deletion.
Coding change: c.2956del on transcript NM_000492.4 (MANE Select); coding-DNA position 2956, one base deleted (C; older notation c.2956delC).
Protein change: p.Leu986fs; shifts the reading frame from leucine 986.
Molecular consequence: frameshift variant.
Genome position (GRCh38, 1-based): chr7:117,606,721, C deleted; the last of 2 consecutive C bases (chr7:117,606,720-117,606,721); deleting either gives the same sequence. VCF-style (leftmost placement, unchanged base first): chr7-117606719-AC-A. GRCh37 (hg19) VCF-style: chr7-117246773-AC-A.
Other names: c.2956del (NM_000492.3); short protein forms L986fs.
Identifiers: ClinVar variation 1418433 (VCV001418433.8), dbSNP rs2116069671, ClinGen allele CA2573141581.

ClinVar aggregate classification (germline): Pathogenic/Likely pathogenic. Review status: criteria provided, multiple submitters, no conflicts (2 of 4 stars). 2 submissions from 2 submitters: Pathogenic (1); Likely pathogenic (1). Last evaluated 2025-12-22.

Conditions:
Cystic fibrosis (CF). Also called: MUCOVISCIDOSIS. Identifiers: Orphanet 586, MedGen C0010674, MONDO:0009061, OMIM 219700. Disease mechanism: loss of function.
CFTR-related disorder (CFTR-RD). Also called: CFTR-related disorders; CFTR-related condition. Identifiers: MedGen C5924204, MONDO:7770004.

Submissions (2):

Natera, Inc.
Classification: Likely pathogenic for CFTR-related disorders. Last evaluated: 2025-12-22. Review status: criteria provided, single submitter. Criteria: Natera Variant Classification Schema (03/2026). Collection method: clinical testing. Allele origin: germline.
Comment: The c.2956del variant in CFTR is a frameshift variant predicted to shift the reading frame beginning at codon 986 and leads to a stop codon 14 codons downstream. This variant is expected to result in nonsense mediated decay, truncation, or a dysfunctional protein product. This variant is rare in the general population with a frequency below the threshold expected for the associated phenotype(s). Given the available evidence, this variant is classified as Likely Pathogenic.

Labcorp Genetics (formerly Invitae), Labcorp
Classification: Pathogenic for Cystic fibrosis. Last evaluated: 2021-01-28. Review status: criteria provided, single submitter. Criteria: Invitae Variant Classification Sherloc (09022015). Collection method: clinical testing. Allele origin: germline.
Comment: This sequence change creates a premature translational stop signal (p.Leu986Phefs*14) in the CFTR gene. It is expected to result in an absent or disrupted protein product. Loss-of-function variants in CFTR are known to be pathogenic (PMID: 1695717, 7691345, 9725922). This variant is not present in population databases (ExAC no frequency). This variant has not been reported in the literature in individuals with CFTR-related conditions. For these reasons, this variant has been classified as Pathogenic.

Literature cited by the submitters: PubMed 1695717 (cited by Labcorp Genetics (formerly Invitae), Labcorp); PubMed 7691345 (cited by Labcorp Genetics (formerly Invitae), Labcorp); PubMed 9725922 (cited by Labcorp Genetics (formerly Invitae), Labcorp).